The following is an entry in ClinVar:

NM_001369.3(DNAH5):c.7584_7585insATATTAATAA (p.Phe2529fs)

Gene: DNAH5 (dynein axonemal heavy chain 5; minus strand). Cytogenetic location: 5p15.2.
Variant type: Insertion.
Coding change: c.7584_7585insATATTAATAA on transcript NM_001369.3 (MANE Select); coding-DNA positions 7584 to 7585, ATATTAATAA inserted.
Protein change: p.Phe2529fs; shifts the reading frame from phenylalanine 2529.
Molecular consequence: frameshift variant.
Genome position: GRCh38 VCF-style: chr5-13810083-A-ATTATTAATAT. GRCh37 (hg19) VCF-style: chr5-13810192-A-ATTATTAATAT.
Other names: short protein forms F2529fs.
Identifiers: ClinVar variation 5011219 (VCV005011219.1).
Genomic context (GRCh38, chr5:13,810,083, plus strand): 5'-CCCATGGGTTCCGTCTGGACGGGCAGGTGTCCTCACCATCGGGCGCCACATAGTAGTCGA[A>ATTATTAATAT]GGCGGTGTCCCCGGGCCCCGCTGGCGGCGGCAGCTCCAGCGTCCCTGTGGGCCGAGAGCG-3'

ClinVar aggregate classification (germline): Pathogenic (1 of 4 stars; one submission).

Conditions:
Primary ciliary dyskinesia 3. Identifiers: Orphanet 244, MedGen C1837618, MONDO:0012085, OMIM 608644.

Submission:

Myriad Genetics, Inc.
Classification: Pathogenic for Primary ciliary dyskinesia 3. Last evaluated: 2024-05-14. Review status: criteria provided, single submitter. Criteria: Myriad Autosomal Dominant, Autosomal Recessive and X-Linked Classification Criteria (2023). Collection method: clinical testing. Allele origin: unknown.
Comment: NM_001369.2(DNAH5):c.7584_7585ins10(F2529Ifs*29) is expected to be pathogenic in the context of primary ciliary dyskinesia, DNAH5-related. This variant is predicted to lead to an abnormal or absent protein product due to the creation of a premature termination codon in DNAH5, a gene where loss-of-function variants are known to be pathogenic. Please note: this variant was assessed in the context of healthy population screening.